The following is an entry in ClinVar:

ClinVar aggregate classification (germline): Likely pathogenic (1 of 4 stars; one submission).

Conditions:
Carnitine deficiency. Identifiers: MedGen C1142132.

Submission:

Natera, Inc.
Classification: Likely pathogenic for Carnitine deficiency. Last evaluated: 2024-02-22. Review status: criteria provided, single submitter. Criteria: Natera Variant Classification Schema (03/2026). Collection method: clinical testing. Allele origin: germline.
Comment: The c.328dupC variant in SLC22A5 is a frameshift variant predicted to shift the reading frame beginning at codon 110 and leads to a stop codon 28 codons downstream. This variant is expected to result in nonsense mediated decay, truncation, or a dysfunctional protein product. This variant is rare in the general population with a frequency below the threshold expected for the associated phenotype(s). Given the available evidence, this variant is classified as Likely Pathogenic.

NM_003060.4(SLC22A5):c.328dup (p.Gln110fs)

Gene: SLC22A5 (solute carrier family 22 member 5; plus strand). Cytogenetic location: 5q31.1.
Variant type: Duplication.
Coding change: c.328dup on transcript NM_003060.4 (MANE Select); coding-DNA position 328, one base duplicated (C; older notation c.328dupC).
Protein change: p.Gln110fs; shifts the reading frame from glutamine 110.
Molecular consequence: frameshift variant.
Genome position (GRCh38, 1-based): chr5:132,370,300, C duplicated. VCF-style (leftmost placement, unchanged base first): chr5-132370299-G-GC. GRCh37 (hg19) VCF-style: chr5-131705991-G-GC.
Other names: c.328dup, p.Gln110fs (NM_001308122.2); c.328dupC (NM_003060.3); short protein forms Q110fs.
Identifiers: ClinVar variation 4815088 (VCV004815088.2).